The following is an entry in ClinVar:

ClinVar aggregate classification (germline): Uncertain significance (1 of 4 stars; one submission).

Conditions:
SDCCAG8-related disorder. Also called: SDCCAG8-related condition; SDCCAG8-Related Disorders.

Submission:

PreventionGenetics, part of Exact Sciences
Classification: Uncertain significance for SDCCAG8-related condition. Last evaluated: 2024-10-23. Review status: criteria provided, single submitter. Criteria: ACMG Guidelines, 2015. Collection method: clinical testing. Allele origin: germline.
Comment: The SDCCAG8 c.1034A>G variant is predicted to result in the amino acid substitution p.Gln345Arg. To our knowledge, this variant has not been reported in the literature or in a large population database (gnomAD), indicating this variant is rare. At this time, the clinical significance of this variant is uncertain due to the absence of conclusive functional and genetic evidence.

NM_006642.5(SDCCAG8):c.1034A>G (p.Gln345Arg)

Gene: SDCCAG8 (SHH signaling and ciliogenesis regulator SDCCAG8; plus strand). Cytogenetic location: 1q43.
Variant type: single nucleotide variant.
Coding change: c.1034A>G on transcript NM_006642.5 (MANE Select); coding-DNA position 1034, A replaced by G.
Protein change: p.Gln345Arg; replaces glutamine 345 with arginine.
Molecular consequence: missense variant.
Genome position (GRCh38, 1-based): chr1:243,316,859, A>G. VCF-style: chr1-243316859-A-G. GRCh37 (hg19) VCF-style: chr1-243480161-A-G.
Other names: c.131A>G, p.Gln44Arg (NM_001350246.2, NM_001350247.2, NM_001350251.2); c.1130A>G, p.Gln377Arg (NM_001350248.2); c.740A>G, p.Gln247Arg (NM_001350249.2); short protein forms Q247R, Q345R, Q377R, Q44R.
Identifiers: ClinVar variation 4986091 (VCV004986091.1).